The following is an entry in ClinVar:

ClinVar aggregate classification (germline): Uncertain significance. Review status: criteria provided, multiple submitters, no conflicts (2 of 4 stars). 2 submissions from 2 submitters: Uncertain significance (2). Last evaluated 2024-07-11.

Conditions:
Hereditary cancer-predisposing syndrome. Also called: Hereditary neoplastic syndrome; Neoplastic Syndromes, Hereditary; Tumor predisposition; Hereditary Cancer Syndrome. Identifiers: Orphanet 140162, MedGen C0027672, MeSH D009386, MONDO:0015356.
Ataxia-telangiectasia syndrome (AT). Also called: LOUIS-BAR SYNDROME; Cerebello-oculocutaneous telangiectasia; Immunodeficiency with ataxia telangiectasia; AT, COMPLEMENTATION GROUP C; Ataxia-telangiectasia, complementation group D; ATAXIA-TELANGIECTASIA, COMPLEMENTATION GROUP A. Identifiers: Orphanet 100, MedGen C0004135, MONDO:0008840, OMIM 208900.

Submissions (2):

Labcorp Genetics (formerly Invitae), Labcorp
Classification: Uncertain significance for Ataxia-telangiectasia syndrome. Last evaluated: 2024-07-11. Review status: criteria provided, single submitter. Criteria: Invitae Variant Classification Sherloc (09022015). Collection method: clinical testing. Allele origin: germline.
Comment: This variant, c.3630_3631delinsTT, is a complex sequence change that results in the deletion of 2 and insertion of 2 amino acid(s) in the ATM protein (p.Met1210_Ala1211delinsIleSer). Information on the frequency of this variant in the gnomAD database is not available, as this variant may be reported differently in the database. This variant has not been reported in the literature in individuals affected with ATM-related conditions. ClinVar contains an entry for this variant (Variation ID: 481269). Experimental studies and prediction algorithms are not available or were not evaluated, and the functional significance of this variant is currently unknown. In summary, the available evidence is currently insufficient to determine the role of this variant in disease. Therefore, it has been classified as a Variant of Uncertain Significance.

Ambry Genetics
Classification: Uncertain significance for Hereditary cancer-predisposing syndrome. Last evaluated: 2016-06-30. Review status: criteria provided, single submitter. Criteria: Ambry Variant Classification Scheme 2023. Collection method: clinical testing. Allele origin: germline.
Comment: The c.3630_3631delGGinsTT variant, located in coding exon 24 of the ATM gene, results from an in-frame deletion of GG and insertion of TT between nucleotide positions 3630 and 3631. This results in the deletion of methionine and alanine residues and insertion of isoleucine and serine residues between codons 1210 and 1211. This variant was not reported in population based cohorts in the following databases: Database of Single Nucleotide Polymorphisms (dbSNP), NHLBI Exome Sequencing Project (ESP), and 1000 Genomes Project. In the ESP, this variant was not observed in 6492 samples (12984 alleles) with coverage at this position. To date, this alteration has been detected with an allele frequency of approximately 0.001% (greater than 180000 alleles tested) in our clinical cohort. Since supporting evidence is limited at this time, the clinical significance of this alteration remains unclear.

NM_000051.4(ATM):c.3630_3631delinsTT (p.Met1210_Ala1211delinsIleSer)

Gene: ATM (ATM serine/threonine kinase; plus strand). Cytogenetic location: 11q22.3.
Variant type: Indel.
Coding change: c.3630_3631delinsTT on transcript NM_000051.4 (MANE Select); coding-DNA positions 3630 to 3631, GG replaced by TT.
Protein change: p.Met1210_Ala1211delinsIleSer.
Molecular consequence: missense variant.
Genome position (GRCh38, 1-based): chr11:108,282,763-108,282,764, GG replaced by TT. VCF-style: chr11-108282763-GG-TT. GRCh37 (hg19) VCF-style: chr11-108153490-GG-TT.
Other names: c.3630_3631delGGinsTT (NM_000051.3); c.3630_3631delinsTT, p.Met1210_Ala1211delinsIleSer (NM_001351834.2).
Identifiers: ClinVar variation 481269 (VCV000481269.7), dbSNP rs1555092353, ClinGen allele CA658656231.